The following is an entry in ClinVar:

NM_001379270.1(CNGA1):c.1312T>G (p.Trp438Gly)

Genes: CNGA1 (cyclic nucleotide gated channel subunit alpha 1; minus strand), LOC101927157 (uncharacterized LOC101927157; plus strand). Cytogenetic location: 4p12.
Variant type: single nucleotide variant.
Coding change: c.1312T>G on transcript NM_001379270.1 (MANE Select); coding-DNA position 1312, T replaced by G.
Protein change: p.Trp438Gly; replaces tryptophan 438 with glycine.
Molecular consequence: missense variant.
Genome position (GRCh38, 1-based): chr4:47,937,170, A>C on the plus strand (T>G on the coding strand, the complement: CNGA1 is on the minus strand). VCF-style: chr4-47937170-A-C. GRCh37 (hg19) VCF-style: chr4-47939187-A-C.
Other names: c.1312T>G, p.Trp438Gly (NM_000087.5, NM_001142564.2); short protein forms W438G.
Identifiers: ClinVar variation 809634 (VCV000809634.50), dbSNP rs200583020, ClinGen allele CA2911098.

ClinVar aggregate classification (germline): Uncertain significance. Review status: criteria provided, multiple submitters, no conflicts (2 of 4 stars). 4 submissions from 4 submitters: Uncertain significance (4). Last evaluated 2025-12-05.

Conditions:
CNGA1-related disorder. Also called: CNGA1-related condition.

Allele frequency attached by ClinVar (database versions not stated): TOPMed 0.00002; gnomAD 0.00009 and 0.00010; gnomAD exomes 0.00010 and 0.00019; ExAC 0.00021.
gnomAD v4.1: 168 of 1,614,118 alleles (0.01%); highest among the groups gnomAD compares: Non-Finnish European, 0.006%; no homozygotes.

Submissions (4):

PreventionGenetics, part of Exact Sciences
Classification: Uncertain significance for CNGA1-related condition. Last evaluated: 2025-12-05. Review status: criteria provided, single submitter. Criteria: ACMG Guidelines, 2015. Collection method: clinical testing. Allele origin: germline.
Comment: The CNGA1 c.1324T>G variant is predicted to result in the amino acid substitution p.Trp442Gly. To our knowledge, this variant has not been reported in the literature. This variant is reported in 0.11% of alleles in individuals of European (Finnish) descent in gnomAD, which is likely too frequent to be a primary cause of disease. Although we suspect that this variant may be benign, the clinical significance of this variant is currently classified as uncertain due to the absence of conclusive functional and genetic evidence.

Blueprint Genetics
Classification: Uncertain significance. Last evaluated: 2024-09-04. Review status: criteria provided, single submitter. Criteria: ACMG Guidelines, 2015. Collection method: clinical testing. Allele origin: germline.

Labcorp Genetics (formerly Invitae), Labcorp
Classification: Uncertain significance. Last evaluated: 2021-12-16. Review status: criteria provided, single submitter. Criteria: Invitae Variant Classification Sherloc (09022015). Collection method: clinical testing. Allele origin: germline.
Comment: This sequence change replaces tryptophan, which is neutral and slightly polar, with glycine, which is neutral and non-polar, at codon 442 of the CNGA1 protein (p.Trp442Gly). This variant is present in population databases (rs200583020, gnomAD 0.1%). This variant has not been reported in the literature in individuals affected with CNGA1-related conditions. ClinVar contains an entry for this variant (Variation ID: 809634). Algorithms developed to predict the effect of missense changes on protein structure and function (SIFT, PolyPhen-2, Align-GVGD) all suggest that this variant is likely to be disruptive. In summary, the available evidence is currently insufficient to determine the role of this variant in disease. Therefore, it has been classified as a Variant of Uncertain Significance.

CeGaT Center for Human Genetics Tuebingen
Classification: Uncertain significance. Last evaluated: 2018-02-01. Review status: criteria provided, single submitter. Criteria: CeGaT Center For Human Genetics Tuebingen Variant Classification Criteria Version 2. Collection method: clinical testing. Allele origin: germline. Affected: yes. Observed: 1 variant allele.